The following is an entry in ClinVar:

NM_003072.5(SMARCA4):c.1402C>T (p.Arg468Cys)

Gene: SMARCA4 (SWI/SNF related BAF chromatin remodeling complex subunit ATPase 4; plus strand). Cytogenetic location: 19p13.2.
Variant type: single nucleotide variant.
Coding change: c.1402C>T on transcript NM_003072.5 (MANE Select); coding-DNA position 1402, C replaced by T.
Protein change: p.Arg468Cys; replaces arginine 468 with cysteine.
Molecular consequence: missense variant. On other transcripts: non-coding transcript variant (1).
Genome position (GRCh38, 1-based): chr19:10,991,306, C>T. VCF-style: chr19-10991306-C-T. GRCh37 (hg19) VCF-style: chr19-11101982-C-T.
Other names: c.1402C>T, p.Arg468Cys (NM_001128844.3, NM_001128845.2, NM_001128846.2 and 5 more transcripts); c.1402C>T (NM_001128849.1); short protein forms R468C.
Identifiers: ClinVar variation 1487541 (VCV001487541.9), dbSNP rs2145882413, ClinGen allele CA404061101.

ClinVar aggregate classification (germline): Uncertain significance. Review status: criteria provided, multiple submitters, no conflicts (2 of 4 stars). 2 submissions from 2 submitters: Uncertain significance (2). Last evaluated 2024-01-09.

Conditions:
Hereditary cancer-predisposing syndrome. Also called: Hereditary neoplastic syndrome; Neoplastic Syndromes, Hereditary; Hereditary Cancer Syndrome; Tumor predisposition. Identifiers: Orphanet 140162, MedGen C0027672, MeSH D009386, MONDO:0015356.
Rhabdoid tumor predisposition syndrome 2 (RTPS2). Identifiers: Orphanet 231108, Orphanet 69077, MedGen C2750074, MONDO:0013224, OMIM 613325.

Submissions (2):

Ambry Genetics
Classification: Uncertain significance for Hereditary cancer-predisposing syndrome. Last evaluated: 2024-01-09. Review status: criteria provided, single submitter. Criteria: Ambry Variant Classification Scheme 2023. Collection method: clinical testing. Allele origin: germline.
Comment: The p.R468C variant (also known as c.1402C>T), located in coding exon 7 of the SMARCA4 gene, results from a C to T substitution at nucleotide position 1402. The arginine at codon 468 is replaced by cysteine, an amino acid with highly dissimilar properties. This amino acid position is highly conserved in available vertebrate species. In addition, the in silico prediction for this alteration is inconclusive. Missense and in-frame variants in SMARCA4 are known to cause neurodevelopmental disorders; however, such associations with rhabdoid tumor predisposition syndrome including small cell carcinoma of the ovary-hypercalcemic type (SCCOHT) are exceedingly rare (Kosho T et al. Am J Med Genet C Semin Med Genet. 2014 Sep;166C(3):262-75; Jelinic P et al. Nat Genet. 2014 May;46(5):424-6). Since supporting evidence is limited at this time, the clinical significance of this alteration remains unclear.

Labcorp Genetics (formerly Invitae), Labcorp
Classification: Uncertain significance for Rhabdoid tumor predisposition syndrome 2. Last evaluated: 2022-07-21. Review status: criteria provided, single submitter. Criteria: Invitae Variant Classification Sherloc (09022015). Collection method: clinical testing. Allele origin: germline.
Comment: This sequence change replaces arginine, which is basic and polar, with cysteine, which is neutral and slightly polar, at codon 468 of the SMARCA4 protein (p.Arg468Cys). This variant is not present in population databases (gnomAD no frequency). This variant has not been reported in the literature in individuals affected with SMARCA4-related conditions. ClinVar contains an entry for this variant (Variation ID: 1487541). Algorithms developed to predict the effect of missense changes on protein structure and function are either unavailable or do not agree on the potential impact of this missense change (SIFT: "Deleterious"; PolyPhen-2: "Probably Damaging"; Align-GVGD: "Class C0"). In summary, the available evidence is currently insufficient to determine the role of this variant in disease. Therefore, it has been classified as a Variant of Uncertain Significance.